The following is an entry in ClinVar:

ClinVar aggregate classification (germline): Uncertain significance (1 of 4 stars; one submission).

Conditions:
Hereditary cancer-predisposing syndrome. Also called: Hereditary Cancer Syndrome; Hereditary neoplastic syndrome; Neoplastic Syndromes, Hereditary; Tumor predisposition. Identifiers: Orphanet 140162, MedGen C0027672, MeSH D009386, MONDO:0015356.

Submission:

Ambry Genetics
Classification: Uncertain significance for Hereditary cancer-predisposing syndrome. Last evaluated: 2025-07-19. Review status: criteria provided, single submitter. Criteria: Ambry Variant Classification Scheme 2023. Collection method: clinical testing. Allele origin: germline.
Comment: The p.Q3394K variant (also known as c.10180C>A), located in coding exon 26 of the BRCA2 gene, results from a C to A substitution at nucleotide position 10180. The glutamine at codon 3394 is replaced by lysine, an amino acid with similar properties. This amino acid position is conserved. In addition, this alteration is predicted to be tolerated by in silico analysis. Based on the available evidence, the clinical significance of this variant remains unclear.

NM_000059.4(BRCA2):c.10180C>A (p.Gln3394Lys)

Gene: BRCA2 (BRCA2 DNA repair associated; plus strand). Cytogenetic location: 13q13.1.
Variant type: single nucleotide variant.
Coding change: c.10180C>A on transcript NM_000059.4 (MANE Select); coding-DNA position 10180, C replaced by A.
Protein change: p.Gln3394Lys; replaces glutamine 3394 with lysine.
Molecular consequence: missense variant. On other transcripts: non-coding transcript variant (1).
Genome position (GRCh38, 1-based): chr13:32,398,693, C>A. VCF-style: chr13-32398693-C-A. GRCh37 (hg19) VCF-style: chr13-32972830-C-A.
Other names: c.3763C>A, p.Gln1255Lys (NM_001406722.1); c.10180C>A, p.Gln3394Lys (NM_001432077.1); c.10084C>A, p.Gln3362Lys (NM_001406719.1); c.10129C>A, p.Gln3377Lys (NM_001406720.1); c.5248C>A, p.Gln1750Lys (NM_001406721.1); short protein forms Q1255K, Q3394K, Q1750K, Q3362K, Q3377K.
Identifiers: ClinVar variation 4215869 (VCV004215869.1).
Genomic context (GRCh38, chr13:32,398,693, plus strand): 5'-ACCAGTTCAGAAGATTATCTCAGACTGAAACGACGTTGTACTACATCTCTGATCAAAGAA[C>A]AGGAGAGTTCCCAGGCCAGTACGGAAGAATGTGAGAAAAATAAGCAGGACACAATTACAA-3'
Protein context (NP_000050.3, residues 3384-3404): RRCTTSLIKE[Gln3394Lys]ESSQASTEEC